The following is an entry in ClinVar:

ClinVar aggregate classification (germline): Benign/Likely benign. Review status: criteria provided, multiple submitters, no conflicts (2 of 4 stars). 6 submissions from 6 submitters: Benign (2); Likely benign (4). Last evaluated 2026-01-31.

Conditions:
Multiple endocrine neoplasia, type 2 (MEN2). Identifiers: Orphanet 653, MedGen C4048306, MONDO:0019003. Disease mechanism: gain of function.
Pheochromocytoma. Also called: MAX-Related Hereditary Paraganglioma-Pheochromocytoma Syndrome. Identifiers: Orphanet 29072, MedGen C0031511, MONDO:0008233, OMIM 171300, HP:0002666.

Allele frequency attached by ClinVar (database versions not stated): gnomAD exomes 0.00016 and 0.00027; ExAC 0.00017; gnomAD 0.00017 and 0.00020; 1000 Genomes Project 0.00020; TOPMed 0.00029; 1000 Genomes Project 30x 0.00031; ESP Exome Variant Server 0.00031.
gnomAD v4.1: 416 of 1,607,818 alleles (0.026%); highest among the groups gnomAD compares: Non-Finnish European, 0.033%; no homozygotes.

Submissions (6):

Labcorp Genetics (formerly Invitae), Labcorp
Classification: Likely benign for Multiple endocrine neoplasia, type 2. Last evaluated: 2026-01-31. Review status: criteria provided, single submitter. Criteria: Invitae Variant Classification Sherloc (09022015). Collection method: clinical testing. Allele origin: germline.

KCCC/NGS Laboratory, Kuwait Cancer Control Center
Classification: Benign for Pheochromocytoma. Last evaluated: 2025-02-01. Review status: criteria provided, single submitter. Criteria: ACMG Guidelines, 2015. Collection method: clinical testing. Allele origin: germline. Affected: no.

Women's Health and Genetics/Laboratory Corporation of America, LabCorp
Classification: Benign. Last evaluated: 2025-01-09. Review status: criteria provided, single submitter. Criteria: LabCorp Variant Classification Summary - May 2015. Collection method: clinical testing. Allele origin: germline.
Comment: Variant summary: RET c.3040-20C>T alters a nucleotide located at a position not widely known to affect splicing. Consensus agreement among computation tools predict no significant impact on normal splicing. However, these predictions have yet to be confirmed by functional studies. The variant allele was found at a frequency of 0.00016 in 250808 control chromosomes. The observed variant frequency is approximately 4 fold of the estimated maximal expected allele frequency for a pathogenic variant in RET causing Multiple Endocrine Neoplasia Type 2 phenotype (3.7e-05). To our knowledge, no occurrence of c.3040-20C>T in individuals affected with Multiple Endocrine Neoplasia Type 2 and no experimental evidence demonstrating its impact on protein function have been reported. ClinVar contains an entry for this variant (Variation ID: 388803). Based on the evidence outlined above, the variant was classified as benign.

Blueprint Genetics
Classification: Likely benign. Last evaluated: 2024-04-26. Review status: criteria provided, single submitter. Criteria: ACMG Guidelines, 2015. Collection method: clinical testing. Allele origin: germline.

PreventionGenetics, part of Exact Sciences
Classification: Likely benign. Last evaluated: 2017-12-11. Review status: criteria provided, single submitter. Criteria: ACMG Guidelines, 2015. Collection method: clinical testing. Allele origin: germline.

GeneDx
Classification: Likely benign. Last evaluated: 2017-06-12. Review status: criteria provided, single submitter. Criteria: GeneDx Variant Classification (06012015). Collection method: clinical testing. Allele origin: germline. Affected: yes.
Comment: This variant is considered likely benign or benign based on one or more of the following criteria: it is a conservative change, it occurs at a poorly conserved position in the protein, it is predicted to be benign by multiple in silico algorithms, and/or has population frequency not consistent with disease.

NM_020975.6(RET):c.3040-20C>T

Gene: RET (ret proto-oncogene; plus strand). Cytogenetic location: 10q11.21.
Variant type: single nucleotide variant.
Coding change: c.3040-20C>T on transcript NM_020975.6 (MANE Select); 20 bases into the intron before coding-DNA position 3040, C replaced by T.
Molecular consequence: intron variant.
Genome position (GRCh38, 1-based): chr10:43,126,555, C>T. VCF-style: chr10-43126555-C-T. GRCh37 (hg19) VCF-style: chr10-43622003-C-T.
Other names: c.3040-20C>T (NM_020630.7, NM_001406743.1, NM_001406744.1 and 2 more transcripts); c.2905-20C>T (NM_001406765.1, NM_001406763.1); c.2644-20C>T (NM_001406772.1, NM_001406769.1); c.2602-20C>T (NM_001406773.1, NM_001406771.1); c.2143-20C>T (NM_001406782.1, NM_001406780.1, NM_001406779.1 and 1 more transcripts); c.2008-20C>T (NM_001406787.1); c.2023-20C>T (NM_001406785.1); c.2911-20C>T (NM_001406764.1, NM_001406762.1, NM_001406761.1); and 10 more.
Identifiers: ClinVar variation 388803 (VCV000388803.14), dbSNP rs372172456, ClinGen allele CA042235.